The following is an entry in ClinVar:

ClinVar aggregate classification (germline): Uncertain significance (1 of 4 stars; one submission).

Conditions:
Neuropathy, hereditary sensory, type 2C. Also called: KIF1A-Related HSAN2 (HSAN2C); Hereditary sensory and autonomic neuropathy type IIC. Identifiers: Orphanet 970, MedGen C3280168, MONDO:0013634, OMIM 614213.
Hereditary spastic paraplegia 30. Identifiers: Orphanet 101010, MedGen C5235139, MONDO:0012476.
Intellectual disability, autosomal dominant 9 (NESCAVS). Also called: KIF1A-Related Neurodevelopmental Disorder; NESCAV SYNDROME. Identifiers: Orphanet 662367, MedGen C5393830, MONDO:0013656, OMIM 614255.

Submission:

Labcorp Genetics (formerly Invitae), Labcorp
Classification: Uncertain significance for Hereditary spastic paraplegia 30; Neuropathy, hereditary sensory, type 2C; Intellectual disability, autosomal dominant 9. Last evaluated: 2024-05-06. Review status: criteria provided, single submitter. Criteria: Invitae Variant Classification Sherloc (09022015). Collection method: clinical testing. Allele origin: germline.
Comment: This sequence change replaces valine, which is neutral and non-polar, with methionine, which is neutral and non-polar, at codon 310 of the KIF1A protein (p.Val310Met). This variant is not present in population databases (gnomAD no frequency). This variant has not been reported in the literature in individuals affected with KIF1A-related conditions. Advanced modeling of protein sequence and biophysical properties (such as structural, functional, and spatial information, amino acid conservation, physicochemical variation, residue mobility, and thermodynamic stability) performed at Invitae indicates that this missense variant is expected to disrupt KIF1A protein function with a positive predictive value of 95%. In summary, the available evidence is currently insufficient to determine the role of this variant in disease. Therefore, it has been classified as a Variant of Uncertain Significance.

NM_001244008.2(KIF1A):c.928G>A (p.Val310Met)

Gene: KIF1A (kinesin family member 1A; minus strand). Cytogenetic location: 2q37.3.
Variant type: single nucleotide variant.
Coding change: c.928G>A on transcript NM_001244008.2 (MANE Select); coding-DNA position 928, G replaced by A.
Protein change: p.Val310Met; replaces valine 310 with methionine.
Molecular consequence: missense variant.
Genome position (GRCh38, 1-based): chr2:240,775,881, C>T on the plus strand (G>A on the coding strand, the complement: KIF1A is on the minus strand). VCF-style: chr2-240775881-C-T. GRCh37 (hg19) VCF-style: chr2-241715298-C-T.
Other names: c.928G>A, p.Val310Met (NM_001320705.2, NM_001330289.2, NM_001330290.2 and 20 more transcripts); short protein forms V310M.
Identifiers: ClinVar variation 3748954 (VCV003748954.2).